The following is an entry in ClinVar:

NM_052947.4(ALPK2):c.188T>C (p.Phe63Ser)

Gene: ALPK2 (alpha kinase 2; minus strand). Cytogenetic location: 18q21.32.
Variant type: single nucleotide variant.
Coding change: c.188T>C on transcript NM_052947.4 (MANE Select); coding-DNA position 188, T replaced by C.
Protein change: p.Phe63Ser; replaces phenylalanine 63 with serine.
Molecular consequence: missense variant.
Genome position (GRCh38, 1-based): chr18:58,607,361, A>G on the plus strand (T>C on the coding strand, the complement: ALPK2 is on the minus strand). VCF-style: chr18-58607361-A-G. GRCh37 (hg19) VCF-style: chr18-56274593-A-G.
Other names: short protein forms F63S.
Identifiers: ClinVar variation 3530293 (VCV003530293.1).
Genomic context (GRCh38, chr18:58,607,361, plus strand): 5'-CACAGGGGTATAGCCACTTACCAAGAGAGATGTAACACATGAATATACTGATTCTCAAAG[A>G]ATTCATAGTTGGAAATAATGCCACTCCCATCGATGGCCTGACCATTCTTATACCAAGTTA-3'
Protein context (NP_443179.3, residues 53-73): DGSGIISNYE[Phe63Ser]FENQYIHVLH

ClinVar aggregate classification (germline): Uncertain significance (1 of 4 stars; one submission).

Submission:

Ambry Genetics
Classification: Uncertain significance. Last evaluated: 2024-11-08. Review status: criteria provided, single submitter. Criteria: Ambry Variant Classification Scheme 2023. Collection method: clinical testing. Allele origin: germline.
Comment: The p.F63S variant (also known as c.188T>C), located in coding exon 2 of the ALPK2 gene, results from a T to C substitution at nucleotide position 188. The phenylalanine at codon 63 is replaced by serine, an amino acid with highly dissimilar properties. This amino acid position is conserved. In addition, this alteration is predicted to be tolerated by in silico analysis. Based on the available evidence, the clinical significance of this variant remains unclear.